The following is an entry in ClinVar:

ClinVar aggregate classification (germline): Uncertain significance. Review status: criteria provided, single submitter (1 of 4 stars). 2 submissions from 2 submitters: Uncertain significance (1). 1 of the submissions does not count toward it. Last evaluated 2021-08-28.

Conditions:
Chronic granulomatous disease. Identifiers: Orphanet 379, MedGen C0018203, MONDO:0018305.
Granulomatous disease, chronic, autosomal recessive, cytochrome b-negative. Also called: Chronic granulomatous disease, autosomal, due to deficiency of CYBA; CGD DUE TO DEFICIENCY OF THE ALPHA SUBUNIT OF CYTOCHROME b; CGD, AUTOSOMAL RECESSIVE CYTOCHROME b-NEGATIVE; CYBA DEFICIENCY; GRANULOMATOUS DISEASE, CHRONIC, AUTOSOMAL RECESSIVE, 4. Identifiers: Orphanet 379, MedGen C1856255, MONDO:0009308, OMIM 233690.

Allele frequency attached by ClinVar (database versions not stated): gnomAD exomes 0.00002; TOPMed 0.00002; gnomAD 0.00003 and 0.00004.
gnomAD v4.1: 13 of 1,534,404 alleles (0.00085%); highest among the groups gnomAD compares: East Asian, 0.01%; no homozygotes.

Submissions (2):

Labcorp Genetics (formerly Invitae), Labcorp
Classification: Uncertain significance for Granulomatous disease, chronic, autosomal recessive, cytochrome b-negative. Last evaluated: 2021-08-28. Review status: criteria provided, single submitter. Criteria: Invitae Variant Classification Sherloc (09022015). Collection method: clinical testing. Allele origin: germline.
Comment: This sequence change replaces proline with leucine at codon 180 of the CYBA protein (p.Pro180Leu). The proline residue is weakly conserved and there is a moderate physicochemical difference between proline and leucine. The frequency data for this variant in the population databases is considered unreliable, as metrics indicate insufficient coverage at this position in the ExAC database. This variant has not been reported in the literature in individuals affected with CYBA-related conditions. Algorithms developed to predict the effect of missense changes on protein structure and function (SIFT, PolyPhen-2, Align-GVGD) all suggest that this variant is likely to be tolerated. In summary, the available evidence is currently insufficient to determine the role of this variant in disease. Therefore, it has been classified as a Variant of Uncertain Significance.

Natera, Inc.
Classification: Uncertain significance for Chronic granulomatous disease. Last evaluated: 2021-04-05. Review status: no assertion criteria provided. Collection method: clinical testing. Allele origin: germline. Not counted in ClinVar's aggregate classification.

NM_000101.4(CYBA):c.539C>T (p.Pro180Leu)

Gene: CYBA (cytochrome b-245 alpha chain; minus strand). Cytogenetic location: 16q24.2.
Variant type: single nucleotide variant.
Coding change: c.539C>T on transcript NM_000101.4 (MANE Select); coding-DNA position 539, C replaced by T.
Protein change: p.Pro180Leu; replaces proline 180 with leucine.
Molecular consequence: missense variant.
Genome position (GRCh38, 1-based): chr16:88,643,402, G>A on the plus strand (C>T on the coding strand, the complement: CYBA is on the minus strand). VCF-style: chr16-88643402-G-A. GRCh37 (hg19) VCF-style: chr16-88709810-G-A.
Other names: short protein forms P180L.
Identifiers: ClinVar variation 936950 (VCV000936950.4), dbSNP rs1207976536, ClinGen allele CA397056455.
Genomic context (GRCh38, chr16:88,643,402, plus strand): 5'-CCGGGGCGAGGTCACACGACCTCGTCGGTCACCGGGATGGGGTTGACCTGGGGACCTCCC[G>A]GGGGTCCCCCCGCCGCCACCGCAGCCTCCTCCTCGCTGGGCTTCTTGCGGGCCTCGGCCG-3'
Protein context (NP_000092.2, residues 170-190): EEAAVAAGGP[Pro180Leu]GGPQVNPIPV